The following is an entry in ClinVar:

ClinVar aggregate classification (germline): Uncertain significance (1 of 4 stars; one submission).

Submission:

Labcorp Genetics (formerly Invitae), Labcorp
Classification: Uncertain significance. Last evaluated: 2024-02-01. Review status: criteria provided, single submitter. Criteria: Invitae Variant Classification Sherloc (09022015). Collection method: clinical testing. Allele origin: germline.
Comment: This sequence change replaces proline, which is neutral and non-polar, with leucine, which is neutral and non-polar, at codon 46 of the FGG protein (p.Pro46Leu). This variant is not present in population databases (gnomAD no frequency). This variant has not been reported in the literature in individuals affected with FGG-related conditions. Advanced modeling of protein sequence and biophysical properties (such as structural, functional, and spatial information, amino acid conservation, physicochemical variation, residue mobility, and thermodynamic stability) performed at Invitae indicates that this missense variant is expected to disrupt FGG protein function with a positive predictive value of 80%. Algorithms developed to predict the effect of sequence changes on RNA splicing suggest that this variant may disrupt the consensus splice site. In summary, the available evidence is currently insufficient to determine the role of this variant in disease. Therefore, it has been classified as a Variant of Uncertain Significance.

NM_021870.3(FGG):c.137C>T (p.Pro46Leu)

Gene: FGG (fibrinogen gamma chain; minus strand). Cytogenetic location: 4q32.1.
Variant type: single nucleotide variant.
Coding change: c.137C>T on transcript NM_021870.3 (MANE Select); coding-DNA position 137, C replaced by T.
Protein change: p.Pro46Leu; replaces proline 46 with leucine.
Molecular consequence: missense variant.
Genome position (GRCh38, 1-based): chr4:154,612,188, G>A on the plus strand (C>T on the coding strand, the complement: FGG is on the minus strand). VCF-style: chr4-154612188-G-A. GRCh37 (hg19) VCF-style: chr4-155533340-G-A.
Other names: c.137C>T, p.Pro46Leu (NM_000509.6); short protein forms P46L.
Identifiers: ClinVar variation 3638161 (VCV003638161.2).
Genomic context (GRCh38, chr4:154,612,188, plus strand): 5'-AGATCCTTGTCTACTTTGGTTTGATAAGTAGACAGGAAATCTGCAATGCCACAGGTAGTT[G>A]GACAATAACTACCCTGAAAATATAACAGTGATTAAAAATGTAGACAGATGCTACTCTTAA-3'
Protein context (NP_068656.2, residues 36-56): ILDERFGSYC[Pro46Leu]TTCGIADFLS